The following is an entry in ClinVar:

NM_005502.4(ABCA1):c.2814G>A (p.Gly938=)

Gene: ABCA1 (ATP binding cassette subfamily A member 1; minus strand). Cytogenetic location: 9q31.1.
Variant type: single nucleotide variant.
Coding change: c.2814G>A on transcript NM_005502.4 (MANE Select); coding-DNA position 2814, G replaced by A.
Protein change: p.Gly938=; no amino-acid change (glycine 938 retained).
Molecular consequence: synonymous variant.
Genome position (GRCh38, 1-based): chr9:104,822,510, C>T on the plus strand (G>A on the coding strand, the complement: ABCA1 is on the minus strand). VCF-style: chr9-104822510-C-T. GRCh37 (hg19) VCF-style: chr9-107584791-C-T.
Other names: p.Gly938=.
Identifiers: ClinVar variation 364425 (VCV000364425.21), dbSNP rs9282546, ClinGen allele CA5168648.
Genomic context (GRCh38, chr9:104,822,510, plus strand): 5'-GAACCCTCCTGTGGCTGATTCTGCGGGAACCACACCCTCTTCTTACATGGTGGTCGTCTT[C>T]CCCGCTCCATTGTGGCCCAGGAAGGAGGTGATCTGGCCCTCATAAAAATTCAGTGCCAGG-3'
Protein context (NP_005493.2, residues 928-948): ITSFLGHNGA[Gly938=]KTTTMSILTG

ClinVar aggregate classification (germline): Benign/Likely benign. Review status: criteria provided, multiple submitters, no conflicts (2 of 4 stars). 9 submissions from 8 submitters: Benign (6); Likely benign (2). 1 of the submissions does not count toward it. Last evaluated 2026-01-06.

Conditions:
ABCA1-related disorder. Also called: ABCA1-related disorders; ABCA1-related condition. Identifiers: MedGen CN239173.
Tangier disease (TGD). Also called: HIGH DENSITY LIPOPROTEIN DEFICIENCY, TANGIER TYPE; HIGH DENSITY LIPOPROTEIN DEFICIENCY, TYPE 1; Cholesterol thesaurismosis. Identifiers: Orphanet 31150, MedGen C0039292, MONDO:0008783, OMIM 205400.
Cardiovascular phenotype. Identifiers: MedGen CN230736.
Hypoalphalipoproteinemia, primary, 1. Identifiers: Orphanet 425, MedGen C5231558, MONDO:0011393, OMIM 604091.

Allele frequency attached by ClinVar (database versions not stated): ExAC 0.00170; gnomAD 0.00513 and 0.00556; ESP Exome Variant Server 0.00538; TOPMed 0.00586; 1000 Genomes Project 0.00639; 1000 Genomes Project 30x 0.00671.
gnomAD v4.1: 1,462 of 1,613,702 alleles (0.091%); highest among the groups gnomAD compares: African/African-American, 1.8%; 14 homozygotes.

Submissions (9):

Labcorp Genetics (formerly Invitae), Labcorp
Classification: Benign. Last evaluated: 2026-01-06. Review status: criteria provided, single submitter. Criteria: Invitae Variant Classification Sherloc (09022015). Collection method: clinical testing. Allele origin: germline.

Blueprint Genetics
Classification: Likely benign. Last evaluated: 2024-07-04. Review status: criteria provided, single submitter. Criteria: ACMG Guidelines, 2015. Collection method: clinical testing. Allele origin: germline.

Mayo Clinic Laboratories, Mayo Clinic
Classification: Benign. Last evaluated: 2023-11-09. Review status: criteria provided, single submitter. Criteria: ACMG Guidelines, 2015. Collection method: clinical testing. Allele origin: germline. Observed: 2 variant alleles.
Comment: BA1, BS2, BP4, BP7

Women's Health and Genetics/Laboratory Corporation of America, LabCorp
Classification: Benign. Last evaluated: 2023-03-06. Review status: criteria provided, single submitter. Criteria: LabCorp Variant Classification Summary - May 2015. Collection method: clinical testing. Allele origin: germline.

Ambry Genetics
Classification: Likely benign for Cardiovascular phenotype. Last evaluated: 2022-02-14. Review status: criteria provided, single submitter. Criteria: Ambry Variant Classification Scheme 2023. Collection method: clinical testing. Allele origin: germline.

Illumina Laboratory Services, Illumina
Classification: Benign for Hypoalphalipoproteinemia, primary, 1. Last evaluated: 2018-01-12. Review status: criteria provided, single submitter. Criteria: ICSL Variant Classification Criteria 13 December 2019. Collection method: clinical testing. Allele origin: germline.
Comment: This variant was observed in the ICSL laboratory as part of a predisposition screen in an ostensibly healthy population. It had not been previously curated by ICSL or reported in the Human Gene Mutation Database (HGMD: prior to June 1st, 2018), and was therefore a candidate for classification through an automated scoring system. Utilizing variant allele frequency, disease prevalence and penetrance estimates, and inheritance mode, an automated score was calculated to assess if this variant is too frequent to cause the disease. Based on the score and internal cut-off values, a variant classified as benign is not then subjected to further curation. The score for this variant resulted in a classification of benign for this disease.

Illumina Laboratory Services, Illumina
Classification: Benign for Tangier disease. Last evaluated: 2018-01-12. Review status: criteria provided, single submitter. Criteria: ICSL Variant Classification Criteria 13 December 2019. Collection method: clinical testing. Allele origin: germline.
Comment: the same text as in the submission from Illumina Laboratory Services, Illumina above.

Breakthrough Genomics
Classification: Benign. Review status: criteria provided, single submitter. Criteria: ACMG Guidelines, 2015. Collection method: not provided. Allele origin: germline. Inheritance: Autosomal recessive inheritance. Affected: yes.

PreventionGenetics, part of Exact Sciences
Classification: Benign for ABCA1-related condition. Last evaluated: 2024-02-28. Review status: no assertion criteria provided. Collection method: clinical testing. Allele origin: germline. Not counted in ClinVar's aggregate classification.
Comment: This variant is classified as benign based on ACMG/AMP sequence variant interpretation guidelines (Richards et al. 2015 PMID: 25741868, with internal and published modifications).